The following is an entry in ClinVar:

NM_001042492.3(NF1):c.5985_5986del (p.Lys1995fs)

Gene: NF1 (neurofibromin 1; plus strand). Cytogenetic location: 17q11.2.
Variant type: Deletion.
Coding change: c.5985_5986del on transcript NM_001042492.3 (MANE Select); coding-DNA positions 5985 to 5986, 2 bases deleted (AA; older notation c.5985_5986delAA).
Protein change: p.Lys1995fs; shifts the reading frame from lysine 1995.
Molecular consequence: frameshift variant.
Genome position (GRCh38, 1-based): chr17:31,335,010-31,335,011, AA deleted; deleting any 2 consecutive bases within chr17:31,335,007-31,335,011 gives the same sequence; the c. name uses the placement nearest the transcript's 3' end. VCF-style (leftmost placement, unchanged base first): chr17-31335006-CAA-C. GRCh37 (hg19) VCF-style: chr17-29662024-CAA-C.
Other names: c.5922_5923delAA, p.Lys1974Asnfs (NM_000267.4); short protein forms K1974fs, K1995fs.
Identifiers: ClinVar variation 1710694 (VCV001710694.2), dbSNP rs2508737575, ClinGen allele CA2580093014.
Genomic context (GRCh38, chr17:31,335,006, plus strand): 5'-TTCTTGACAAGCTGATAACAATGACCATCAATGAAAAACAGATGTACCCATCTATTCAAG[CAA>C]AAATATGGGGAAGCCTTGGGCAGGTATTGAGTTTGCTCAAATATTTATCTAGTATCTCCT-3'

ClinVar aggregate classification (germline): Pathogenic (1 of 4 stars; one submission).

Submission:

GeneDx
Classification: Pathogenic. Last evaluated: 2022-10-11. Review status: criteria provided, single submitter. Criteria: GeneDx Variant Classification Process June 2021. Collection method: clinical testing. Allele origin: germline. Affected: yes.
Comment: Frameshift variant predicted to result in protein truncation or nonsense mediated decay in a gene for which loss-of-function is a known mechanism of disease; Not observed at significant frequency in large population cohorts (gnomAD); Has not been previously published as pathogenic or benign to our knowledge